The following is an entry in ClinVar:

NM_005548.3(KARS1):c.77G>T (p.Arg26Leu)

Gene: KARS1 (lysyl-tRNA synthetase 1; minus strand). Cytogenetic location: 16q23.1.
Variant type: single nucleotide variant.
Coding change: c.77G>T on transcript NM_005548.3 (MANE Select); coding-DNA position 77, G replaced by T.
Protein change: p.Arg26Leu; replaces arginine 26 with leucine.
Molecular consequence: missense variant. On other transcripts: 5 prime UTR variant (1).
Genome position (GRCh38, 1-based): chr16:75,641,709, C>A on the plus strand (G>T on the coding strand, the complement: KARS1 is on the minus strand). VCF-style: chr16-75641709-C-A. GRCh37 (hg19) VCF-style: chr16-75675607-C-A.
Other names: c.161G>T, p.Arg54Leu (NM_001130089.2); c.-392G>T (NM_001378148.1); short protein forms R54L, R26L.
Identifiers: ClinVar variation 4680647 (VCV004680647.2).
Genomic context (GRCh38, chr16:75,641,709, plus strand): 5'-TTCTCACTGAGCTCTTTCTGTTTGGCCTCCTTCTCTGCTACTTTCTTCTCAGCTTTCAGG[C>A]GTCTCTTCAGCTCACTGTTGGAAAGATGAAAGCGTTCAATGTGTTAGCTGCCTGAAGAGT-3'
Protein context (NP_005539.1, residues 16-36): PKLSKNELKR[Arg26Leu]LKAEKKVAEK

ClinVar aggregate classification (germline): Uncertain significance. Review status: criteria provided, multiple submitters, no conflicts (2 of 4 stars). 2 submissions from 2 submitters: Uncertain significance (2). Last evaluated 2026-01-30.

gnomAD v4.1: 3 of 1,613,716 alleles (0.00019%); highest among the groups gnomAD compares: African/African-American, 0.004%; no homozygotes.

Submissions (2):

Labcorp Genetics (formerly Invitae), Labcorp
Classification: Uncertain significance. Last evaluated: 2026-01-30. Review status: criteria provided, single submitter. Criteria: Invitae Variant Classification Sherloc (09022015). Collection method: clinical testing. Allele origin: germline.
Comment: This sequence change replaces arginine, which is basic and polar, with leucine, which is neutral and non-polar, at codon 54 of the KARS protein (p.Arg54Leu). The frequency data for this variant in the population databases is considered unreliable, as metrics indicate poor data quality at this position in the gnomAD database. This variant has not been reported in the literature in individuals affected with KARS-related conditions. An algorithm developed to predict the effect of missense changes on protein structure and function (PolyPhen-2) suggests that this variant is likely to be disruptive. In summary, the available evidence is currently insufficient to determine the role of this variant in disease. Therefore, it has been classified as a Variant of Uncertain Significance.

Ambry Genetics
Classification: Uncertain significance. Last evaluated: 2025-10-01. Review status: criteria provided, single submitter. Criteria: Ambry Variant Classification Scheme 2023. Collection method: clinical testing. Allele origin: germline.